The following is an entry in ClinVar:

ClinVar aggregate classification (germline): Uncertain significance. Review status: criteria provided, multiple submitters, no conflicts (2 of 4 stars). 2 submissions from 2 submitters: Uncertain significance (2). Last evaluated 2021-09-23.

Conditions:
Catecholaminergic polymorphic ventricular tachycardia (CVPT). Also called: Catecholamine-induced polymorphic ventricular tachycardia. Identifiers: Orphanet 3286, MedGen C5574922, MONDO:0017990.

Submissions (2):

Labcorp Genetics (formerly Invitae), Labcorp
Classification: Uncertain significance for Catecholaminergic polymorphic ventricular tachycardia 1. Last evaluated: 2021-09-23. Review status: criteria provided, single submitter. Criteria: Invitae Variant Classification Sherloc (09022015). Collection method: clinical testing. Allele origin: germline.
Comment: This sequence change replaces arginine with serine at codon 190 of the RYR2 protein (p.Arg190Ser). The arginine residue is highly conserved and there is a moderate physicochemical difference between arginine and serine. This variant is not present in population databases (ExAC no frequency). This variant has not been reported in the literature in individuals affected with RYR2-related conditions. ClinVar contains an entry for this variant (Variation ID: 43808). Advanced modeling of protein sequence and biophysical properties (such as structural, functional, and spatial information, amino acid conservation, physicochemical variation, residue mobility, and thermodynamic stability) performed at Invitae indicates that this missense variant is expected to disrupt RYR2 protein function. In summary, the available evidence is currently insufficient to determine the role of this variant in disease. Therefore, it has been classified as a Variant of Uncertain Significance.

Laboratory for Molecular Medicine, Mass General Brigham Personalized Medicine
Classification: Uncertain significance. Last evaluated: 2012-02-02. Review status: criteria provided, single submitter. Criteria: LMM Criteria. Collection method: clinical testing. Allele origin: germline. Observed: 1 variant allele.
Comment: Variant classified as Uncertain Significance - Favor Pathogenic. The Arg190Ser v ariant (RYR2) has not been reported in the literature nor previously identified by our laboratory. Arginine (Arg) at position 190 is highly conserved in mammal s and across evolutionarily distant species, suggesting that a change would not be tolerated. Computational analyses (biochemical amino acid properties, AlignGV GD, PolyPhen2, and SIFT) suggest that the Arg190Ser variant may impact the prote in, though this information is not predictive enough to determine pathogenicity. Therefore, the clinical significance of this variant cannot be determined with certainty at this time.

NM_001035.3(RYR2):c.570G>T (p.Arg190Ser)

Gene: RYR2 (ryanodine receptor 2; plus strand). Cytogenetic location: 1q43.
Variant type: single nucleotide variant.
Coding change: c.570G>T on transcript NM_001035.3 (MANE Select); coding-DNA position 570, G replaced by T.
Protein change: p.Arg190Ser; replaces arginine 190 with serine.
Molecular consequence: missense variant.
Genome position (GRCh38, 1-based): chr1:237,377,429, G>T. VCF-style: chr1-237377429-G-T. GRCh37 (hg19) VCF-style: chr1-237540729-G-T.
Other names: short protein forms R190S.
Identifiers: ClinVar variation 43808 (VCV000043808.7), dbSNP rs397516544, ClinGen allele CA009976.
Genomic context (GRCh38, chr1:237,377,429, plus strand): 5'-AGAAGGAGAAAAAGTACGAGTTGGAGATGACCTCATCTTAGTTAGCGTGTCCTCTGAAAG[G>T]TACTTGGTAAGTGTGGAAAGTAGGATCATGTATCTGCTGATATGCTAAATGACAAGTCAA-3'
Protein context (NP_001026.2, residues 180-200): DLILVSVSSE[Arg190Ser]YLHLSYGNGS